The following is an entry in ClinVar:

ClinVar aggregate classification (germline): Uncertain significance (1 of 4 stars; one submission).

gnomAD v4.1: 1 of 1,613,820 alleles (0.000062%); highest among the groups gnomAD compares: Non-Finnish European, 0.000085%; no homozygotes.

Submission:

GeneDx
Classification: Uncertain significance. Last evaluated: 2026-04-17. Review status: criteria provided, single submitter. Criteria: GeneDx Variant Classification Process June 2021. Collection method: clinical testing. Allele origin: germline.
Comment: Not observed at significant frequency in large population cohorts (gnomAD); In silico analysis suggests that this missense variant does not alter protein structure/function; Has not been previously published as pathogenic or benign to our knowledge

NM_004370.6(COL12A1):c.3963G>T (p.Lys1321Asn)

Gene: COL12A1 (collagen type XII alpha 1 chain; minus strand). Cytogenetic location: 6q13.
Variant type: single nucleotide variant.
Coding change: c.3963G>T on transcript NM_004370.6 (MANE Select); coding-DNA position 3963, G replaced by T.
Protein change: p.Lys1321Asn; replaces lysine 1321 with asparagine.
Molecular consequence: missense variant.
Genome position (GRCh38, 1-based): chr6:75,151,904, C>A on the plus strand (G>T on the coding strand, the complement: COL12A1 is on the minus strand). VCF-style: chr6-75151904-C-A. GRCh37 (hg19) VCF-style: chr6-75861620-C-A.
Other names: c.3963G>T, p.Lys1321Asn (NM_001424113.1, NM_001424114.1); c.3690G>T, p.Lys1230Asn (NM_001424115.1); c.471G>T, p.Lys157Asn (NM_001424116.1, NM_080645.3); short protein forms K1230N, K1321N, K157N.
Identifiers: ClinVar variation 5037372 (VCV005037372.1).
Genomic context (GRCh38, chr6:75,151,904, plus strand): 5'-TCACTGTCCTTTTCAGTGCGTACCAATAGCAAACAGCTCCACTCCCTCATCCTTGAGTTT[C>A]TTTGAAGGTGCTTCAACATCGTCTTGTGATTTTCCATCAGTAATGAGCACACCAATTTTT-3'
Protein context (NP_004361.3, residues 1311-1331): KSQDDVEAPS[Lys1321Asn]KLKDEGVELF